The following is an entry in ClinVar:

NM_002439.5(MSH3):c.2548A>G (p.Thr850Ala)

Gene: MSH3 (mutS homolog 3; plus strand). Cytogenetic location: 5q14.1.
Variant type: single nucleotide variant.
Coding change: c.2548A>G on transcript NM_002439.5 (MANE Select); coding-DNA position 2548, A replaced by G.
Protein change: p.Thr850Ala; replaces threonine 850 with alanine.
Molecular consequence: missense variant.
Genome position (GRCh38, 1-based): chr5:80,792,737, A>G. VCF-style: chr5-80792737-A-G. GRCh37 (hg19) VCF-style: chr5-80088556-A-G.
Other names: short protein forms T850A.
Identifiers: ClinVar variation 1421578 (VCV001421578.9), dbSNP rs1744629388, ClinGen allele CA360272832.

ClinVar aggregate classification (germline): Uncertain significance. Review status: criteria provided, multiple submitters, no conflicts (2 of 4 stars). 3 submissions from 3 submitters: Uncertain significance (3). Last evaluated 2026-02-01.

Conditions:
Endometrial carcinoma. Also called: Endometrial carcinoma, somatic. Identifiers: MedGen C0476089, MONDO:0002447, OMIM 608089, HP:0012114.
Hereditary cancer-predisposing syndrome. Also called: Neoplastic Syndromes, Hereditary; Hereditary Cancer Syndrome; Hereditary neoplastic syndrome; Tumor predisposition. Identifiers: Orphanet 140162, MedGen C0027672, MeSH D009386, MONDO:0015356.

Submissions (3):

Labcorp Genetics (formerly Invitae), Labcorp
Classification: Uncertain significance. Last evaluated: 2026-02-01. Review status: criteria provided, single submitter. Criteria: Invitae Variant Classification Sherloc (09022015). Collection method: clinical testing. Allele origin: germline.
Comment: This sequence change replaces threonine, which is neutral and polar, with alanine, which is neutral and non-polar, at codon 850 of the MSH3 protein (p.Thr850Ala). This variant is not present in population databases (gnomAD no frequency). This variant has not been reported in the literature in individuals affected with MSH3-related conditions. ClinVar contains an entry for this variant (Variation ID: 1421578). An algorithm developed to predict the effect of missense changes on protein structure and function (PolyPhen-2) suggests that this variant is likely to be tolerated. RNA analysis performed to evaluate the impact of this missense change on mRNA splicing indicates it does not significantly alter splicing (Invtae). In summary, the available evidence is currently insufficient to determine the role of this variant in disease. Therefore, it has been classified as a Variant of Uncertain Significance.

Ambry Genetics
Classification: Uncertain significance for Hereditary cancer-predisposing syndrome. Last evaluated: 2023-12-06. Review status: criteria provided, single submitter. Criteria: Ambry Variant Classification Scheme 2023. Collection method: clinical testing. Allele origin: germline.
Comment: The p.T850A variant (also known as c.2548A>G), located in coding exon 19 of the MSH3 gene, results from an A to G substitution at nucleotide position 2548. The threonine at codon 850 is replaced by alanine, an amino acid with similar properties. This amino acid position is not well conserved in available vertebrate species. In addition, this alteration is predicted to be tolerated by in silico analysis. Since supporting evidence is limited at this time, the clinical significance of this alteration remains unclear.

Baylor Genetics
Classification: Uncertain significance for Endometrial carcinoma. Last evaluated: 2023-09-12. Review status: criteria provided, single submitter. Criteria: ACMG Guidelines, 2015. Collection method: clinical testing. Allele origin: unknown.